The following is an entry in ClinVar:

ClinVar aggregate classification (germline): Likely benign. Review status: criteria provided, multiple submitters, no conflicts (2 of 4 stars). 4 submissions from 4 submitters: Likely benign (3). 1 of the submissions does not count toward it. Last evaluated 2026-01-05.

Conditions:
ADAR-related disorder. Also called: ADAR-related condition; ADAR-related disorders.
Aicardi-Goutieres syndrome 6 (AGS6). Identifiers: Orphanet 51, MedGen C3539013, MONDO:0014007, OMIM 615010.
Symmetrical dyschromatosis of extremities (DSH). Also called: DYSCHROMATOSIS SYMMETRICA HEREDITARIA 1; RETICULATE ACROPIGMENTATION OF DOHI; SYMMETRIC DYSCHROMATOSIS OF THE EXTREMITIES; Dyschromatosis symmetrica hereditaria. Identifiers: Orphanet 41, MedGen C0406775, MONDO:0007483, OMIM 127400.

Allele frequency attached by ClinVar (database versions not stated): gnomAD exomes 0.00004 and 0.00010; ExAC 0.00013; 1000 Genomes Project 30x 0.00031; ESP Exome Variant Server 0.00038; gnomAD 0.00038 and 0.00039; 1000 Genomes Project 0.00040; TOPMed 0.00042.
gnomAD v4.1: 114 of 1,614,132 alleles (0.0071%); highest among the groups gnomAD compares: African/African-American, 0.12%; no homozygotes.

Submissions (4):

Labcorp Genetics (formerly Invitae), Labcorp
Classification: Likely benign for Aicardi-Goutieres syndrome 6; Symmetrical dyschromatosis of extremities. Last evaluated: 2026-01-05. Review status: criteria provided, single submitter. Criteria: Invitae Variant Classification Sherloc (09022015). Collection method: clinical testing. Allele origin: germline.

Blueprint Genetics
Classification: Likely benign. Last evaluated: 2024-05-06. Review status: criteria provided, single submitter. Criteria: ACMG Guidelines, 2015. Collection method: clinical testing. Allele origin: germline.

CeGaT Center for Human Genetics Tuebingen
Classification: Likely benign. Last evaluated: 2022-06-01. Review status: criteria provided, single submitter. Criteria: CeGaT Center For Human Genetics Tuebingen Variant Classification Criteria Version 2. Collection method: clinical testing. Allele origin: germline. Affected: yes. Observed: 1 variant allele.
Comment: ADAR: BP4, BP7

PreventionGenetics, part of Exact Sciences
Classification: Likely benign for ADAR-related condition. Last evaluated: 2019-03-25. Review status: no assertion criteria provided. Collection method: clinical testing. Allele origin: germline. Not counted in ClinVar's aggregate classification.
Comment: This variant is classified as likely benign based on ACMG/AMP sequence variant interpretation guidelines (Richards et al. 2015 PMID: 25741868, with internal and published modifications).

NM_001111.5(ADAR):c.2052G>A (p.Ala684=)

Gene: ADAR (adenosine deaminase RNA specific; minus strand). Cytogenetic location: 1q21.3.
Variant type: single nucleotide variant.
Coding change: c.2052G>A on transcript NM_001111.5 (MANE Select); coding-DNA position 2052, G replaced by A.
Protein change: p.Ala684=; no amino-acid change (alanine 684 retained).
Molecular consequence: synonymous variant.
Genome position (GRCh38, 1-based): chr1:154,597,150, C>T on the plus strand (G>A on the coding strand, the complement: ADAR is on the minus strand). VCF-style: chr1-154597150-C-T. GRCh37 (hg19) VCF-style: chr1-154569626-C-T.
Other names: c.1167G>A, p.Ala389= (NM_001025107.3, NM_001193495.2, NM_001365046.1 and 3 more transcripts); c.2079G>A, p.Ala693= (NM_001365045.1); c.2052G>A, p.Ala684= (NM_015840.4, NM_015841.4).
Identifiers: ClinVar variation 704013 (VCV000704013.36), dbSNP rs148041309, ClinGen allele CA1131396.